The following is an entry in ClinVar:

NM_001035.3(RYR2):c.2590C>T (p.Pro864Ser)

Gene: RYR2 (ryanodine receptor 2; plus strand). Cytogenetic location: 1q43.
Variant type: single nucleotide variant.
Coding change: c.2590C>T on transcript NM_001035.3 (MANE Select); coding-DNA position 2590, C replaced by T.
Protein change: p.Pro864Ser; replaces proline 864 with serine.
Molecular consequence: missense variant.
Genome position (GRCh38, 1-based): chr1:237,503,482, C>T. VCF-style: chr1-237503482-C-T. GRCh37 (hg19) VCF-style: chr1-237666782-C-T.
Other names: short protein forms P864S.
Identifiers: ClinVar variation 3791613 (VCV003791613.1).

ClinVar aggregate classification (germline): Uncertain significance (1 of 4 stars; one submission).

Conditions:
Cardiovascular phenotype. Identifiers: MedGen CN230736.

Submission:

Ambry Genetics
Classification: Uncertain significance for Cardiovascular phenotype. Last evaluated: 2025-01-03. Review status: criteria provided, single submitter. Criteria: Ambry Variant Classification Scheme 2023. Collection method: clinical testing. Allele origin: germline.
Comment: The p.P864S variant (also known as c.2590C>T), located in coding exon 22 of the RYR2 gene, results from a C to T substitution at nucleotide position 2590. The proline at codon 864 is replaced by serine, an amino acid with similar properties. This amino acid position is highly conserved in available vertebrate species. In addition, this alteration is predicted to be deleterious by in silico analysis. Based on the available evidence, the clinical significance of this variant remains unclear.